The following is an entry in ClinVar:

ClinVar aggregate classification (germline): Likely benign (1 of 4 stars; one submission).

Allele frequency attached by ClinVar (database versions not stated): gnomAD exomes 0.00001 and 0.00002; TOPMed 0.00003; ExAC 0.00004; ESP Exome Variant Server 0.00008.
gnomAD v4.1: 21 of 1,568,466 alleles (0.0013%); highest among the groups gnomAD compares: African/African-American, 0.0068%; no homozygotes.

Submission:

GeneDx
Classification: Likely benign. Last evaluated: 2016-02-17. Review status: criteria provided, single submitter. Criteria: GeneDx Variant Classification (06012015). Collection method: clinical testing. Allele origin: germline. Affected: yes.
Comment: This variant is considered likely benign or benign based on one or more of the following criteria: it is a conservative change, it occurs at a poorly conserved position in the protein, it is predicted to be benign by multiple in silico algorithms, and/or has population frequency not consistent with disease.

NM_054012.4(ASS1):c.773+45C>T

Gene: ASS1 (argininosuccinate synthase 1; plus strand). Cytogenetic location: 9q34.11.
Variant type: single nucleotide variant.
Coding change: c.773+45C>T on transcript NM_054012.4 (MANE Select); 45 bases into the intron after coding-DNA position 773, C replaced by T.
Molecular consequence: intron variant.
Genome position (GRCh38, 1-based): chr9:130,479,845, C>T. VCF-style: chr9-130479845-C-T. GRCh37 (hg19) VCF-style: chr9-133355232-C-T.
Other names: c.773+45C>T (NM_000050.4).
Identifiers: ClinVar variation 382470 (VCV000382470.1), dbSNP rs373206401, ClinGen allele CA5283471.